The following is an entry in ClinVar:

ClinVar aggregate classification (germline): Uncertain significance. Review status: criteria provided, multiple submitters, no conflicts (2 of 4 stars). 2 submissions from 2 submitters: Uncertain significance (2). Last evaluated 2023-12-11.

Conditions:
Immunodeficiency 25. Also called: Immunodeficiency due to defect in cd3-zeta, somatic. Identifiers: MedGen C1857798, MONDO:0012426, OMIM 610163.

Allele frequency attached by ClinVar (database versions not stated): gnomAD below 0.00001 and 0.00002; TOPMed 0.00001; gnomAD exomes 0.00003.
gnomAD v4.1: 28 of 1,614,042 alleles (0.0017%); highest among the groups gnomAD compares: South Asian, 0.014%; no homozygotes.

Submissions (2):

Ambry Genetics
Classification: Uncertain significance. Last evaluated: 2023-12-11. Review status: criteria provided, single submitter. Criteria: Ambry Variant Classification Scheme 2023. Collection method: clinical testing. Allele origin: germline.

Labcorp Genetics (formerly Invitae), Labcorp
Classification: Uncertain significance for Immunodeficiency 25. Last evaluated: 2022-08-09. Review status: criteria provided, single submitter. Criteria: Invitae Variant Classification Sherloc (09022015). Collection method: clinical testing. Allele origin: germline.
Comment: This sequence change replaces alanine, which is neutral and non-polar, with proline, which is neutral and non-polar, at codon 63 of the CD247 protein (p.Ala63Pro). This variant is present in population databases (rs55893506, gnomAD 0.01%). This variant has not been reported in the literature in individuals affected with CD247-related conditions. ClinVar contains an entry for this variant (Variation ID: 944598). Algorithms developed to predict the effect of missense changes on protein structure and function are either unavailable or do not agree on the potential impact of this missense change (SIFT: "Tolerated"; PolyPhen-2: "Possibly Damaging"; Align-GVGD: "Class C0"). In summary, the available evidence is currently insufficient to determine the role of this variant in disease. Therefore, it has been classified as a Variant of Uncertain Significance.

NM_198053.3(CD247):c.187G>C (p.Ala63Pro)

Gene: CD247 (CD247 molecule; minus strand). Cytogenetic location: 1q24.2.
Variant type: single nucleotide variant.
Coding change: c.187G>C on transcript NM_198053.3 (MANE Select); coding-DNA position 187, G replaced by C.
Protein change: p.Ala63Pro; replaces alanine 63 with proline.
Molecular consequence: missense variant.
Genome position (GRCh38, 1-based): chr1:167,439,376, C>G on the plus strand (G>C on the coding strand, the complement: CD247 is on the minus strand). VCF-style: chr1-167439376-C-G. GRCh37 (hg19) VCF-style: chr1-167408613-C-G.
Other names: c.187G>C, p.Ala63Pro (NM_000734.4); c.280G>C, p.Ala94Pro (NM_001378515.1, NM_001378516.1); short protein forms A63P, A94P.
Identifiers: ClinVar variation 944598 (VCV000944598.4), dbSNP rs55893506, ClinGen allele CA31992475.